The following is an entry in ClinVar:

ClinVar aggregate classification (germline): Uncertain significance. Review status: criteria provided, multiple submitters, no conflicts (2 of 4 stars). 2 submissions from 2 submitters: Uncertain significance (2). Last evaluated 2026-01-23.

Conditions:
Autosomal recessive osteopetrosis 1. Also called: ALBERS-SCHONBERG DISEASE, AUTOSOMAL RECESSIVE; TCIRG1-Related Osteopetrosis; TCIRG1-Related Autosomal Recessive Osteopetrosis. Identifiers: Orphanet 667, MedGen C1850127, MONDO:0009815, OMIM 259700.

Allele frequency attached by ClinVar (database versions not stated): gnomAD 0.00016; TOPMed 0.00053; ESP Exome Variant Server 0.00069.
gnomAD v4.1: 1,098 of 1,612,850 alleles (0.068%); highest among the groups gnomAD compares: Non-Finnish European, 0.086%; no homozygotes.

Submissions (2):

Labcorp Genetics (formerly Invitae), Labcorp
Classification: Uncertain significance. Last evaluated: 2026-01-23. Review status: criteria provided, single submitter. Criteria: Invitae Variant Classification Sherloc (09022015). Collection method: clinical testing. Allele origin: germline.
Comment: This sequence change replaces arginine, which is basic and polar, with tryptophan, which is neutral and slightly polar, at codon 28 of the TCIRG1 protein (p.Arg28Trp). This variant is present in population databases (rs139397145, gnomAD 0.04%). This variant has not been reported in the literature in individuals affected with TCIRG1-related conditions. ClinVar contains an entry for this variant (Variation ID: 305780). Invitae Evidence Modeling of protein sequence and biophysical properties (such as structural, functional, and spatial information, amino acid conservation, physicochemical variation, residue mobility, and thermodynamic stability) indicates that this missense variant is expected to disrupt TCIRG1 protein function with a positive predictive value of 80%. Algorithms developed to predict the effect of sequence changes on RNA splicing suggest that this variant may create or strengthen a splice site. In summary, the available evidence is currently insufficient to determine the role of this variant in disease. Therefore, it has been classified as a Variant of Uncertain Significance.

Illumina Laboratory Services, Illumina
Classification: Uncertain significance for Autosomal recessive osteopetrosis 1. Last evaluated: 2018-01-12. Review status: criteria provided, single submitter. Criteria: ICSL Variant Classification Criteria 13 December 2019. Collection method: clinical testing. Allele origin: germline.

NM_006019.4(TCIRG1):c.82C>T (p.Arg28Trp)

Gene: TCIRG1 (T cell immune regulator 1, ATPase H+ transporting V0 subunit a3; plus strand). Cytogenetic location: 11q13.2.
Variant type: single nucleotide variant.
Coding change: c.82C>T on transcript NM_006019.4 (MANE Select); coding-DNA position 82, C replaced by T.
Protein change: p.Arg28Trp; replaces arginine 28 with tryptophan.
Molecular consequence: missense variant. On other transcripts: 5 prime UTR variant (1).
Genome position (GRCh38, 1-based): chr11:68,041,353, C>T. VCF-style: chr11-68041353-C-T. GRCh37 (hg19) VCF-style: chr11-67808820-C-T.
Other names: c.-1168C>T (NM_001351059.2); short protein forms R28W.
Identifiers: ClinVar variation 305780 (VCV000305780.9), dbSNP rs139397145, ClinGen allele CA6146629.